The following is an entry in ClinVar:

NM_206933.4(USH2A):c.10464del (p.Ala3489fs)

Gene: USH2A (usherin; minus strand). Cytogenetic location: 1q41.
Variant type: Deletion.
Coding change: c.10464del on transcript NM_206933.4 (MANE Select); coding-DNA position 10464, one base deleted (A; older notation c.10464delA).
Protein change: p.Ala3489fs; shifts the reading frame from alanine 3489.
Molecular consequence: frameshift variant.
Genome position (GRCh38, 1-based): chr1:215,782,859, T deleted on the plus strand (A on the coding strand, the reverse complement: USH2A is on the minus strand); the first of 3 consecutive T bases (chr1:215,782,859-215,782,861); deleting any one gives the same sequence. VCF-style (leftmost placement, unchanged base first): chr1-215782858-CT-C. GRCh37 (hg19) VCF-style: chr1-215956200-CT-C.
Other names: short protein forms A3489fs.
Identifiers: ClinVar variation 2052468 (VCV002052468.4), dbSNP rs2464394627, ClinGen allele CA2580062064.

ClinVar aggregate classification (germline): Pathogenic (1 of 4 stars; one submission).

Submission:

Labcorp Genetics (formerly Invitae), Labcorp
Classification: Pathogenic. Last evaluated: 2021-12-22. Review status: criteria provided, single submitter. Criteria: Invitae Variant Classification Sherloc (09022015). Collection method: clinical testing. Allele origin: germline.
Comment: This sequence change creates a premature translational stop signal (p.Ala3489Leufs*2) in the USH2A gene. It is expected to result in an absent or disrupted protein product. Loss-of-function variants in USH2A are known to be pathogenic (PMID: 10729113, 10909849, 20507924, 25649381). For these reasons, this variant has been classified as Pathogenic. This variant has not been reported in the literature in individuals affected with USH2A-related conditions. This variant is not present in population databases (gnomAD no frequency).

Literature cited by the submitters: PubMed 10729113; PubMed 10909849; PubMed 20507924; PubMed 25649381.